The following is an entry in ClinVar:

NM_004656.4(BAP1):c.1804G>C (p.Glu602Gln)

Gene: BAP1 (BRCA1 associated deubiquitinase 1; minus strand). Cytogenetic location: 3p21.1.
Variant type: single nucleotide variant.
Coding change: c.1804G>C on transcript NM_004656.4 (MANE Select); coding-DNA position 1804, G replaced by C.
Protein change: p.Glu602Gln; replaces glutamic acid 602 with glutamine.
Molecular consequence: missense variant.
Genome position (GRCh38, 1-based): chr3:52,403,224, C>G on the plus strand (G>C on the coding strand, the complement: BAP1 is on the minus strand). VCF-style: chr3-52403224-C-G. GRCh37 (hg19) VCF-style: chr3-52437240-C-G.
Other names: c.1750G>C, p.Glu584Gln (NM_001410772.1); short protein forms E584Q, E602Q.
Identifiers: ClinVar variation 3224441 (VCV003224441.3), dbSNP rs2153226477, ClinGen allele CA353098714.

ClinVar aggregate classification (germline): Uncertain significance. Review status: criteria provided, multiple submitters, no conflicts (2 of 4 stars). 2 submissions from 2 submitters: Uncertain significance (2). Last evaluated 2024-02-20.

Conditions:
Hereditary cancer-predisposing syndrome. Also called: Tumor predisposition; Hereditary neoplastic syndrome; Hereditary Cancer Syndrome; Neoplastic Syndromes, Hereditary. Identifiers: Orphanet 140162, MedGen C0027672, MeSH D009386, MONDO:0015356.
BAP1-related tumor predisposition syndrome (TPDS1). Also called: Tumor susceptibility linked to germline BAP1 mutations; BAP1 tumor predisposition syndrome; TUMOR PREDISPOSITION SYNDROME 1; COMMON Syndrome. Identifiers: Orphanet 289539, MedGen C3280492, MONDO:0013692, OMIM 614327.

Allele frequency attached by ClinVar (database versions not stated): gnomAD exomes below 0.00001.
gnomAD v4.1: 1 of 1,614,188 alleles (0.000062%); highest among the groups gnomAD compares: South Asian, 0.0011%; no homozygotes.

Submissions (2):

Ambry Genetics
Classification: Uncertain significance for Hereditary cancer-predisposing syndrome. Last evaluated: 2024-02-20. Review status: criteria provided, single submitter. Criteria: Ambry Variant Classification Scheme 2023. Collection method: clinical testing. Allele origin: germline.
Comment: The p.E602Q variant (also known as c.1804G>C), located in coding exon 14 of the BAP1 gene, results from a G to C substitution at nucleotide position 1804. The glutamic acid at codon 602 is replaced by glutamine, an amino acid with highly similar properties. This amino acid position is conserved. In addition, this alteration is predicted to be tolerated by in silico analysis. Based on the available evidence, the clinical significance of this alteration remains unclear.

Labcorp Genetics (formerly Invitae), Labcorp
Classification: Uncertain significance for BAP1-related tumor predisposition syndrome. Last evaluated: 2024-02-15. Review status: criteria provided, single submitter. Criteria: Invitae Variant Classification Sherloc (09022015). Collection method: clinical testing. Allele origin: germline.
Comment: This sequence change replaces glutamic acid, which is acidic and polar, with glutamine, which is neutral and polar, at codon 602 of the BAP1 protein (p.Glu602Gln). This variant is not present in population databases (gnomAD no frequency). This variant has not been reported in the literature in individuals affected with BAP1-related conditions. Advanced modeling of protein sequence and biophysical properties (such as structural, functional, and spatial information, amino acid conservation, physicochemical variation, residue mobility, and thermodynamic stability) performed at Invitae indicates that this missense variant is not expected to disrupt BAP1 protein function with a negative predictive value of 80%. In summary, the available evidence is currently insufficient to determine the role of this variant in disease. Therefore, it has been classified as a Variant of Uncertain Significance.